The following is an entry in ClinVar:

NM_133638.6(ADAMTS19):c.1930G>T (p.Glu644Ter)

Gene: ADAMTS19 (ADAM metallopeptidase with thrombospondin type 1 motif 19; plus strand). Cytogenetic location: 5q23.3.
Variant type: single nucleotide variant.
Coding change: c.1930G>T on transcript NM_133638.6 (MANE Select); coding-DNA position 1930, G replaced by T.
Protein change: p.Glu644Ter; replaces glutamic acid 644 with a stop codon.
Molecular consequence: nonsense.
Genome position (GRCh38, 1-based): chr5:129,647,822, G>T. VCF-style: chr5-129647822-G-T. GRCh37 (hg19) VCF-style: chr5-128983515-G-T.
Other names: short protein forms E644*.
Identifiers: ClinVar variation 2155981 (VCV002155981.1), dbSNP rs1480639715, ClinGen allele CA360770146.

ClinVar aggregate classification (germline): Pathogenic (1 of 4 stars; one submission).

Submission:

Labcorp Genetics (formerly Invitae), Labcorp
Classification: Pathogenic. Last evaluated: 2022-06-27. Review status: criteria provided, single submitter. Criteria: Invitae Variant Classification Sherloc (09022015). Collection method: clinical testing. Allele origin: germline.
Comment: This sequence change creates a premature translational stop signal (p.Glu638*) in the ADAMTS19 gene. It is expected to result in an absent or disrupted protein product. Loss-of-function variants in ADAMTS19 are known to be pathogenic (PMID: 31844321, 32323311). This variant is not present in population databases (gnomAD no frequency). This variant has not been reported in the literature in individuals affected with ADAMTS19-related conditions. For these reasons, this variant has been classified as Pathogenic.

Literature cited by the submitters: PubMed 31844321; PubMed 32323311.